The following is an entry in ClinVar:

NM_005629.4(SLC6A8):c.1580C>T (p.Thr527Ile)

Gene: SLC6A8 (solute carrier family 6 member 8; plus strand). Cytogenetic location: Xq28.
Variant type: single nucleotide variant.
Coding change: c.1580C>T on transcript NM_005629.4 (MANE Select); coding-DNA position 1580, C replaced by T.
Protein change: p.Thr527Ile; replaces threonine 527 with isoleucine.
Molecular consequence: missense variant.
Genome position (GRCh38, 1-based): chrX:153,694,617, C>T. VCF-style: chrX-153694617-C-T. GRCh37 (hg19) VCF-style: chrX-152960072-C-T.
Other names: c.1550C>T, p.Thr517Ile (NM_001142805.2); c.1235C>T, p.Thr412Ile (NM_001142806.1); short protein forms T412I, T517I, T527I.
Identifiers: ClinVar variation 4685023 (VCV004685023.1).

ClinVar aggregate classification (germline): Uncertain significance (1 of 4 stars; one submission).

Submission:

GeneDx
Classification: Uncertain significance. Last evaluated: 2025-07-12. Review status: criteria provided, single submitter. Criteria: GeneDx Variant Classification Process June 2021. Collection method: clinical testing. Allele origin: germline. Affected: yes.
Comment: Not observed at significant frequency in large population cohorts (gnomAD); In silico analysis supports that this missense variant has a deleterious effect on protein structure/function; Has not been previously published as pathogenic or benign to our knowledge